The following is an entry in ClinVar:

ClinVar aggregate classification (germline): Pathogenic (1 of 4 stars; one submission).

Submission:

Quest Diagnostics Nichols Institute San Juan Capistrano
Classification: Pathogenic. Last evaluated: 2024-08-02. Review status: criteria provided, single submitter. Criteria: ACMG/ClinGen CNV Guidelines, 2019. Collection method: clinical testing. Allele origin: unknown.
Comment: This copy number loss of Xp21.1 appears to involve multiple exons (exons 46-53; NM_004006.3) of DMD (OMIM 300377), which is predicted to be an out-of-frame deletion. Intragenic deletions and duplications, as well as pathogenic sequence variants of DMD, are associated with X-linked recessive Duchenne muscular dystrophy (DMD; OMIM 310200, Darras 2022). In-frame variants of DMD are predicted to result in Becker muscular dystrophy (BMD; OMIM 300376). Carrier females of pathogenic alterations of the DMD gene are often not affected (Ishizaki 2018). Based on current medical literature and gene content, this copy number variant (CNV) is classified as pathogenic. References: Darras et al., GeneReviews [updated 2022 Jan 20]. PMID: 20301298 Ishizaki et al., Neuromuscul Disord. 2018 Jul;28(7):572-581. PMID: 29801751.

GRCh37/hg19 Xp21.1(chrX:31695497-31962946)x0

Gene: DMD (dystrophin; minus strand). Cytogenetic location: Xp21.1.
Variant type: copy number loss.
Change: copy number 0 of chrX:31,695,497-31,962,946 (267.4 kb, GRCh37 coordinates, 1-based), cytogenetic band Xp21.1.
Identifiers: ClinVar variation 4683018 (VCV004683018.1).